The following is an entry in ClinVar:

ClinVar aggregate classification (germline): Uncertain significance (1 of 4 stars; one submission).

Conditions:
Left ventricular noncompaction 1 (LVNC1). Also called: LEFT VENTRICULAR NONCOMPACTION 1 WITH OR WITHOUT CONGENITAL HEART DEFECTS. Identifiers: Orphanet 54260, MedGen C1858725, MONDO:0011403, OMIM 604169.

Submission:

Labcorp Genetics (formerly Invitae), Labcorp
Classification: Uncertain significance for Left ventricular noncompaction 1. Last evaluated: 2023-02-16. Review status: criteria provided, single submitter. Criteria: Invitae Variant Classification Sherloc (09022015). Collection method: clinical testing. Allele origin: germline.
Comment: This variant is not present in population databases (gnomAD no frequency). Advanced modeling of protein sequence and biophysical properties (such as structural, functional, and spatial information, amino acid conservation, physicochemical variation, residue mobility, and thermodynamic stability) has been performed at Invitae for this missense variant, however the output from this modeling did not meet the statistical confidence thresholds required to predict the impact of this variant on DTNA protein function. This variant has not been reported in the literature in individuals affected with DTNA-related conditions. This sequence change replaces valine, which is neutral and non-polar, with phenylalanine, which is neutral and non-polar, at codon 223 of the DTNA protein (p.Val223Phe). In summary, the available evidence is currently insufficient to determine the role of this variant in disease. Therefore, it has been classified as a Variant of Uncertain Significance.

NM_001386795.1(DTNA):c.667G>T (p.Val223Phe)

Gene: DTNA (dystrobrevin alpha; plus strand). Cytogenetic location: 18q12.1.
Variant type: single nucleotide variant.
Coding change: c.667G>T on transcript NM_001386795.1 (MANE Select); coding-DNA position 667, G replaced by T.
Protein change: p.Val223Phe; replaces valine 223 with phenylalanine.
Molecular consequence: missense variant. On other transcripts: intron variant (1).
Genome position (GRCh38, 1-based): chr18:34,815,972, G>T. VCF-style: chr18-34815972-G-T. GRCh37 (hg19) VCF-style: chr18-32395936-G-T.
Other names: c.667G>T, p.Val223Phe (NM_001386760.1, NM_001386761.1, NM_001386762.1 and 34 more transcripts); c.603+3859G>T (NM_001198945.2); short protein forms V223F.
Identifiers: ClinVar variation 2794026 (VCV002794026.3), dbSNP rs773920773, ClinGen allele CA402167973.